The following is an entry in ClinVar:

ClinVar aggregate classification (germline): Conflicting classifications of pathogenicity. Review status: criteria provided, conflicting classifications (1 of 4 stars). 8 submissions from 5 submitters: Uncertain significance (4); Benign (1); Likely benign (3). Last evaluated 2026-05-21.

Conditions:
Hereditary cancer-predisposing syndrome. Also called: Tumor predisposition; Hereditary neoplastic syndrome; Hereditary Cancer Syndrome; Neoplastic Syndromes, Hereditary. Identifiers: Orphanet 140162, MedGen C0027672, MeSH D009386, MONDO:0015356.
Cardiovascular phenotype. Identifiers: MedGen CN230736.
Neurofibromatosis, type 1 (NF1). Also called: Neurofibromatosis, type I; VON RECKLINGHAUSEN DISEASE; Peripheral type neurofibromatosis; NEUROFIBROMATOSIS, TYPE I, SOMATIC. Identifiers: Orphanet 636, MedGen C0027831, MONDO:0018975, OMIM 162200. Disease mechanism: loss of function.
Café-au-lait macules with pulmonary stenosis (WTSN). Also called: PULMONIC STENOSIS WITH CAFE-AU-LAIT SPOTS. Identifiers: MedGen C0553586, MONDO:0008672, OMIM 193520.
Neurofibromatosis, familial spinal (FSNF). Identifiers: Orphanet 636, MedGen C1834235, MONDO:0008078, OMIM 162210. Disease mechanism: loss of function.
Neurofibromatosis-Noonan syndrome (NFNS). Also called: NEUROFIBROMATOSIS WITH NOONAN PHENOTYPE. Identifiers: Orphanet 638, MedGen C2931482, MONDO:0011035, OMIM 601321. Disease mechanism: loss of function.

Allele frequency attached by ClinVar (database versions not stated): ExAC 0.00001; gnomAD 0.00001; gnomAD exomes 0.00001 and 0.00002; 1000 Genomes Project 30x 0.00016; 1000 Genomes Project 0.00020.
gnomAD v4.1: 26 of 1,614,058 alleles (0.0016%); highest among the groups gnomAD compares: East Asian, 0.049%; no homozygotes.

Submissions (8):

Myriad Genetics, Inc.
Classification: Benign for Neurofibromatosis, type 1. Last evaluated: 2026-05-21. Review status: criteria provided, single submitter. Criteria: Myriad Autosomal Dominant, Autosomal Recessive and X-Linked Classification Criteria (2023). Collection method: clinical testing. Allele origin: unknown.
Comment: This variant is considered benign. This variant is a silent/synonymous amino acid change and it is not expected to impact splicing.

Labcorp Genetics (formerly Invitae), Labcorp
Classification: Likely benign for Neurofibromatosis, type 1. Last evaluated: 2025-08-03. Review status: criteria provided, single submitter. Criteria: Invitae Variant Classification Sherloc (09022015). Collection method: clinical testing. Allele origin: germline.

CeGaT Center for Human Genetics Tuebingen
Classification: Likely benign. Last evaluated: 2024-07-01. Review status: criteria provided, single submitter. Criteria: CeGaT Center For Human Genetics Tuebingen Variant Classification Criteria Version 2. Collection method: clinical testing. Allele origin: germline. Affected: yes. Observed: 1 variant allele.
Comment: NF1: BP4

Illumina Laboratory Services, Illumina
Classification: Uncertain significance for Neurofibromatosis-Noonan syndrome. Last evaluated: 2018-01-12. Review status: criteria provided, single submitter. Criteria: ICSL Variant Classification Criteria 13 December 2019. Collection method: clinical testing. Allele origin: germline.

Illumina Laboratory Services, Illumina
Classification: Uncertain significance for Café-au-lait macules with pulmonary stenosis. Last evaluated: 2018-01-12. Review status: criteria provided, single submitter. Criteria: ICSL Variant Classification Criteria 13 December 2019. Collection method: clinical testing. Allele origin: germline.

Illumina Laboratory Services, Illumina
Classification: Uncertain significance for Neurofibromatosis, familial spinal. Last evaluated: 2018-01-12. Review status: criteria provided, single submitter. Criteria: ICSL Variant Classification Criteria 13 December 2019. Collection method: clinical testing. Allele origin: germline.

Illumina Laboratory Services, Illumina
Classification: Uncertain significance for Neurofibromatosis, type 1. Last evaluated: 2018-01-12. Review status: criteria provided, single submitter. Criteria: ICSL Variant Classification Criteria 13 December 2019. Collection method: clinical testing. Allele origin: germline.

Ambry Genetics
Classification: Likely benign for Cardiovascular phenotype; Hereditary cancer-predisposing syndrome. Last evaluated: 2017-05-09. Review status: criteria provided, single submitter. Criteria: Ambry Variant Classification Scheme 2023. Collection method: clinical testing. Allele origin: germline.

NM_001042492.3(NF1):c.7110C>T (p.His2370=)

Gene: NF1 (neurofibromin 1; plus strand). Cytogenetic location: 17q11.2.
Variant type: single nucleotide variant.
Coding change: c.7110C>T on transcript NM_001042492.3 (MANE Select); coding-DNA position 7110, C replaced by T.
Protein change: p.His2370=; no amino-acid change (histidine 2370 retained).
Molecular consequence: synonymous variant.
Genome position (GRCh38, 1-based): chr17:31,343,056, C>T. VCF-style: chr17-31343056-C-T. GRCh37 (hg19) VCF-style: chr17-29670074-C-T.
Other names: c.7047C>T, p.His2349= (NM_000267.4).
Identifiers: ClinVar variation 413033 (VCV000413033.37), dbSNP rs201881479, ClinGen allele CA8487498.
Genomic context (GRCh38, chr17:31,343,056, plus strand): 5'-TTATCTTTAATAGAGTCCAGAGGAAGTATTTATGGCAATCCGGAATCCTCTGGAGTGGCA[C>T]TGCAAGCAAATGGATCATTTTGTTGGACTCAATTTCAACTCTAACTTTAACTTTGCATTG-3'
Protein context (NP_001035957.1, residues 2360-2380): FMAIRNPLEW[His2370=]CKQMDHFVGL